The following is an entry in ClinVar:

ClinVar aggregate classification (germline): Uncertain significance (1 of 4 stars; one submission).

Conditions:
Hereditary cancer-predisposing syndrome. Also called: Neoplastic Syndromes, Hereditary; Tumor predisposition; Hereditary Cancer Syndrome; Hereditary neoplastic syndrome. Identifiers: Orphanet 140162, MedGen C0027672, MeSH D009386, MONDO:0015356.

Submission:

Ambry Genetics
Classification: Uncertain significance for Hereditary cancer-predisposing syndrome. Last evaluated: 2026-01-20. Review status: criteria provided, single submitter. Criteria: Ambry Variant Classification Scheme 2023. Collection method: clinical testing. Allele origin: germline.
Comment: The p.S900F variant (also known as c.2699C>T), located in coding exon 16 of the RAD50 gene, results from a C to T substitution at nucleotide position 2699. The serine at codon 900 is replaced by phenylalanine, an amino acid with highly dissimilar properties. This amino acid position is conserved. In addition, this alteration is predicted to be tolerated by in silico analysis. Based on the available evidence, the clinical significance of this variant remains unclear.

NM_005732.4(RAD50):c.2699C>T (p.Ser900Phe)

Gene: RAD50 (RAD50 double strand break repair protein; plus strand). Cytogenetic location: 5q31.1.
Variant type: single nucleotide variant.
Coding change: c.2699C>T on transcript NM_005732.4 (MANE Select); coding-DNA position 2699, C replaced by T.
Protein change: p.Ser900Phe; replaces serine 900 with phenylalanine.
Molecular consequence: missense variant.
Genome position (GRCh38, 1-based): chr5:132,604,980, C>T. VCF-style: chr5-132604980-C-T. GRCh37 (hg19) VCF-style: chr5-131940672-C-T.
Other names: short protein forms S900F.
Identifiers: ClinVar variation 4829975 (VCV004829975.1).
Genomic context (GRCh38, chr5:132,604,980, plus strand): 5'-ATTTGCAACGTCGTCAGCAACTGGAGGAGCAGACTGTGGAATTATCCACTGAAGTTCAGT[C>T]TTTGTACAGAGAGATAAAGGTAAGAATATCCATACATGTTTTTTGTAAAATTATTTTAAT-3'
Protein context (NP_005723.2, residues 890-910): QTVELSTEVQ[Ser900Phe]LYREIKDAKE